The following is an entry in ClinVar:

NM_002561.4(P2RX5):c.1084C>T (p.Gln362Ter)

Genes: P2RX5 (purinergic receptor P2X 5; minus strand), P2RX5-TAX1BP3 (P2RX5-TAX1BP3 readthrough (NMD candidate); minus strand). Cytogenetic location: 17p13.2.
Variant type: single nucleotide variant.
Coding change: c.1084C>T on transcript NM_002561.4 (MANE Select); coding-DNA position 1084, C replaced by T.
Protein change: p.Gln362Ter; replaces glutamine 362 with a stop codon.
Molecular consequence: nonsense. On other transcripts: non-coding transcript variant (1).
Genome position (GRCh38, 1-based): chr17:3,679,765, G>A on the plus strand (C>T on the coding strand, the complement: P2RX5 is on the minus strand). VCF-style: chr17-3679765-G-A. GRCh37 (hg19) VCF-style: chr17-3583059-G-A.
Other names: c.1081C>T, p.Gln361Ter (NM_001204519.2); c.1012C>T, p.Gln338Ter (NM_001204520.2); c.460C>T, p.Gln154Ter (NM_001425082.1, NM_001425083.1, NM_001425084.1 and 1 more transcripts); c.1009C>T, p.Gln337Ter (NM_175080.3); short protein forms Q154*, Q337*, Q338*, Q361*, Q362*.
Identifiers: ClinVar variation 3050460 (VCV003050460.2), dbSNP rs143675939, ClinGen allele CA8292441.
Genomic context (GRCh38, chr17:3,679,765, plus strand): 5'-CTGGCCCAGATGTGAGCTGCTCAGATAGCCCCAGCCCCGATGCCTCGTCCTCGGCCTCCT[G>A]GGAACTGTCTTCTAGGCCCCTGGACAAGATACAAGCTGTTCACCTGGGACGGCCCTGCAG-3'

ClinVar aggregate classification (germline): Benign (0 of 4 stars; one submission).

Conditions:
P2RX5-related disorder. Also called: P2RX5-related condition.

Allele frequency attached by ClinVar (database versions not stated): gnomAD exomes 0.00049; ExAC 0.00122; ESP Exome Variant Server 0.00300; gnomAD 0.00337; TOPMed 0.00365; 1000 Genomes Project 0.00439; 1000 Genomes Project 30x 0.00500.
gnomAD v4.1: 1,256 of 1,611,090 alleles (0.078%); highest among the groups gnomAD compares: African/African-American, 1.2%; 8 homozygotes.

Submission:

PreventionGenetics, part of Exact Sciences
Classification: Benign for P2RX5-related condition. Last evaluated: 2020-06-09. Review status: no assertion criteria provided. Collection method: clinical testing. Allele origin: germline.
Comment: This variant is classified as benign based on ACMG/AMP sequence variant interpretation guidelines (Richards et al. 2015 PMID: 25741868, with internal and published modifications).